The following is an entry in ClinVar:

ClinVar aggregate classification (germline): Pathogenic (1 of 4 stars; one submission).

Conditions:
Osteogenesis imperfecta type 8 (OI8). Identifiers: MedGen C1970458, MONDO:0012581, OMIM 610915.

Submission:

Labcorp Genetics (formerly Invitae), Labcorp
Classification: Pathogenic for Osteogenesis imperfecta type 8. Last evaluated: 2022-06-08. Review status: criteria provided, single submitter. Criteria: Invitae Variant Classification Sherloc (09022015). Collection method: clinical testing. Allele origin: germline.
Comment: For these reasons, this variant has been classified as Pathogenic. This variant has not been reported in the literature in individuals affected with P3H1-related conditions. This variant is not present in population databases (gnomAD no frequency). This sequence change creates a premature translational stop signal (p.Gly502Profs*11) in the P3H1 gene. It is expected to result in an absent or disrupted protein product. Loss-of-function variants in P3H1 are known to be pathogenic (PMID: 17277775, 18566967, 19088120, 22281939).

Literature cited by the submitters: PubMed 17277775; PubMed 18566967; PubMed 19088120; PubMed 22281939.

NM_022356.4(P3H1):c.1499_1502dup (p.Gly502fs)

Gene: P3H1 (prolyl 3-hydroxylase 1; minus strand). Cytogenetic location: 1p34.2.
Variant type: Duplication.
Coding change: c.1499_1502dup on transcript NM_022356.4 (MANE Select); coding-DNA positions 1499 to 1502, 4 bases duplicated (ACCG; older notation c.1499_1502dupACCG).
Protein change: p.Gly502fs; shifts the reading frame from glycine 502.
Molecular consequence: frameshift variant.
Genome position (GRCh38, 1-based): chr1:42,752,341-42,752,344, CGGT duplicated on the plus strand (ACCG on the coding strand, the reverse complement: P3H1 is on the minus strand). VCF-style (leftmost placement, unchanged base first): chr1-42752340-C-CCGGT. GRCh37 (hg19) VCF-style: chr1-43218011-C-CCGGT.
Other names: c.1499_1502dup, p.Gly502fs (NM_001146289.2, NM_001243246.2); short protein forms G502fs.
Identifiers: ClinVar variation 2002943 (VCV002002943.5), dbSNP rs2524436507, ClinGen allele CA2574338228.